The following is an entry in ClinVar:

NM_014290.3(TDRD7):c.2104T>A (p.Ser702Thr)

Gene: TDRD7 (tudor domain containing 7; plus strand). Cytogenetic location: 9q22.33.
Variant type: single nucleotide variant.
Coding change: c.2104T>A on transcript NM_014290.3 (MANE Select); coding-DNA position 2104, T replaced by A.
Protein change: p.Ser702Thr; replaces serine 702 with threonine.
Molecular consequence: missense variant.
Genome position (GRCh38, 1-based): chr9:97,475,407, T>A. VCF-style: chr9-97475407-T-A. GRCh37 (hg19) VCF-style: chr9-100237689-T-A.
Other names: c.1882T>A, p.Ser628Thr (NM_001302884.2); short protein forms S702T, S628T.
Identifiers: ClinVar variation 471809 (VCV000471809.6), dbSNP rs946019953, ClinGen allele CA5146839.
Genomic context (GRCh38, chr9:97,475,407, plus strand): 5'-AGAGTAATAAGAGTATCATGCATTTCTGTTTTGCAGCACATGACCTCTGAGTGCTTTGTT[T>A]CATTACCCTTCTGTGGGAAAATCTGCCTCTTCCATTGCAAAGGAAAATGGTTACGAGTAG-3'
Protein context (NP_055105.2, residues 692-712): CKHMTSECFV[Ser702Thr]LPFCGKICLF

ClinVar aggregate classification (germline): Uncertain significance (1 of 4 stars; one submission).

Conditions:
Cataract 36. Identifiers: MedGen C3151304, MONDO:0013484, OMIM 613887.

Allele frequency attached by ClinVar (database versions not stated): ExAC 0.00002; gnomAD exomes 0.00004 and 0.00007; gnomAD 0.00006 and 0.00007; TOPMed 0.00006.
gnomAD v4.1: 117 of 1,613,650 alleles (0.0073%); highest among the groups gnomAD compares: Non-Finnish European, 0.0085%; no homozygotes.

Submission:

Labcorp Genetics (formerly Invitae), Labcorp
Classification: Uncertain significance for Cataract 36. Last evaluated: 2024-06-25. Review status: criteria provided, single submitter. Criteria: Invitae Variant Classification Sherloc (09022015). Collection method: clinical testing. Allele origin: germline.
Comment: This sequence change replaces serine, which is neutral and polar, with threonine, which is neutral and polar, at codon 702 of the TDRD7 protein (p.Ser702Thr). This variant is present in population databases (no rsID available, gnomAD 0.006%). This variant has not been reported in the literature in individuals affected with TDRD7-related conditions. ClinVar contains an entry for this variant (Variation ID: 471809). An algorithm developed to predict the effect of missense changes on protein structure and function (PolyPhen-2) suggests that this variant is likely to be tolerated. In summary, the available evidence is currently insufficient to determine the role of this variant in disease. Therefore, it has been classified as a Variant of Uncertain Significance.